The following is an entry in ClinVar:

ClinVar aggregate classification (germline): Uncertain significance (1 of 4 stars; one submission).

Submission:

Labcorp Genetics (formerly Invitae), Labcorp
Classification: Uncertain significance. Last evaluated: 2022-06-15. Review status: criteria provided, single submitter. Criteria: Invitae Variant Classification Sherloc (09022015). Collection method: clinical testing. Allele origin: germline.
Comment: This variant is a gross deletion of the genomic region encompassing exon(s) 6 of the SPART gene. This variant would be expected to be in-frame, preserving the integrity of the reading frame. This variant has not been reported in the literature in individuals affected with SPART-related conditions. Experimental studies and prediction algorithms are not available or were not evaluated, and the functional significance of this variant is currently unknown. This variant disrupts a region of the SPART protein in which other variant(s) (p.Ala442Pro) have been observed in individuals with SPART-related conditions (PMID: 28875386). This suggests that this is a clinically significant region of the protein, and that variants that disrupt it are likely to be disease-causing. In summary, the available evidence is currently insufficient to determine the role of this variant in disease. Therefore, it has been classified as a Variant of Uncertain Significance.

Literature cited by the submitters: PubMed 28875386.

NC_000013.10:g.(?_36888344)_(36888578_?)del

Gene: SPART (spartin; minus strand). Cytogenetic location: 13q13.3.
Variant type: Deletion.
Identifiers: ClinVar variation 2426063 (VCV002426063.3).